The following is an entry in ClinVar:

NM_000169.3(GLA):c.500T>A (p.Leu167Gln)

Genes: GLA (galactosidase alpha; minus strand), RPL36A-HNRNPH2 (RPL36A-HNRNPH2 readthrough; plus strand). Cytogenetic location: Xq22.1.
Variant type: single nucleotide variant.
Coding change: c.500T>A on transcript NM_000169.3 (MANE Select); coding-DNA position 500, T replaced by A.
Protein change: p.Leu167Gln; replaces leucine 167 with glutamine.
Molecular consequence: missense variant. On other transcripts: non-coding transcript variant (3), intron variant (2).
Genome position (GRCh38, 1-based): chrX:101,401,679, A>T on the plus strand (T>A on the coding strand, the complement: GLA is on the minus strand). VCF-style: chrX-101401679-A-T. GRCh37 (hg19) VCF-style: chrX-100656667-A-T.
Other names: c.623T>A, p.Leu208Gln (NM_001406749.1, NM_001406747.1); c.300+6222A>T (NM_001199973.2); c.177+9857A>T (NM_001199974.2); c.500T>A, p.Leu167Gln (NM_001406748.1); short protein forms L167Q, L208Q.
Identifiers: ClinVar variation 4087395 (VCV004087395.2).

ClinVar aggregate classification (germline): Pathogenic (1 of 4 stars; one submission).

Conditions:
Fabry disease. Also called: ALPHA-GALACTOSIDASE A DEFICIENCY; ANDERSON-FABRY DISEASE; CERAMIDE TRIHEXOSIDASE DEFICIENCY; GLA DEFICIENCY; HEREDITARY DYSTOPIC LIPIDOSIS; Angiokeratoma corporis diffusum. Identifiers: Orphanet 324, MedGen C0002986, MONDO:0010526, OMIM 301500, HP:0001071. Disease mechanism: Fabry disease is due to inactivating mutations in the X-linked GLA gene resulting in deficiency of the enzyme Alpha Galactosidase-A., loss of function.

Submission:

Genomenon, Inc
Classification: Pathogenic for Fabry disease. Last evaluated: 2026-09-08. Review status: criteria provided, single submitter. Criteria: Genomenon Sequence Variant Interpretation Standards - Updated. Collection method: curation. Allele origin: germline. Affected: yes.
Comment: GLA p.Leu167Gln (c.500T>A) is a missense variant that changes the amino acid at codon 167 from Leucine to Glutamine. This variant has been observed in at least one proband with clinical features consistent with Fabry disease (PMID:26415523). At least one functional study has demonstrated a substantial alteration in protein function relative to the wild-type (PMID:32023956;26415523;27657681). This variant is located in a mutational hotspot and/or important functional domain. It is absent or not present at a significant frequency in gnomAD. In silico models predict that this variant is possibly or probably damaging. In conclusion, we classify GLA p.Leu167Gln (c.500T>A) as a pathogenic variant.

Literature cited by the submitters: PubMed 26415523; PubMed 32023956; PubMed 27657681.